The following is an entry in ClinVar:

ClinVar aggregate classification (germline): Likely pathogenic (1 of 4 stars; one submission).

Submission:

Labcorp Genetics (formerly Invitae), Labcorp
Classification: Likely pathogenic. Last evaluated: 2026-01-17. Review status: criteria provided, single submitter. Criteria: Invitae Variant Classification Sherloc (09022015). Collection method: clinical testing. Allele origin: germline.
Comment: This variant results in the deletion of part of exon 20 (c.2017_2031+9del) of the COL18A1 gene. It is expected to disrupt RNA splicing. Variants that disrupt the donor or acceptor splice site typically lead to a loss of protein function (PMID: 16199547), and loss-of-function variants in COL18A1 are known to be pathogenic (PMID: 12415512, 25456301). This variant is present in population databases (no rsID available, gnomAD 0.001%). This variant has not been reported in the literature in individuals affected with COL18A1-related conditions. ClinVar contains an entry for this variant (Variation ID: 3723192). In summary, the currently available evidence indicates that the variant is pathogenic, but additional data are needed to prove that conclusively. Therefore, this variant has been classified as Likely Pathogenic.

Literature cited by the submitters: PubMed 16199547; PubMed 12415512; PubMed 25456301.

NM_001379500.1(COL18A1):c.2017_2031+9del

Gene: COL18A1 (collagen type XVIII alpha 1 chain; plus strand). Cytogenetic location: 21q22.3.
Variant type: Deletion.
Coding change: c.2017_2031+9del on transcript NM_001379500.1 (MANE Select); coding-DNA position 2017 through 9 bases into the intron after coding-DNA position 2031, 24 bases deleted (ATTGCTGGGCCCCAGGTGAGTTGC).
Molecular consequence: splice donor variant.
Genome position (GRCh38, 1-based): chr21:45,490,332-45,490,355, ATTGCTGGGCCCCAGGTGAGTTGC deleted; deleting any 24 consecutive bases within chr21:45,490,330-45,490,355 gives the same sequence; the c. name uses the placement nearest the transcript's 3' end. VCF-style (leftmost placement, unchanged base first): chr21-45490329-GGCATTGCTGGGCCCCAGGTGAGTT-G. GRCh37 (hg19) VCF-style: chr21-46910243-GGCATTGCTGGGCCCCAGGTGAGTT-G.
Other names: c.3262_3276+9del (NM_130444.3); c.2557_2571+9del (NM_030582.4).
Identifiers: ClinVar variation 3723192 (VCV003723192.2).
Genomic context (GRCh38, chr21:45,490,329, plus strand): 5'-TTTCAGGGAGAAGTTGGAGCAGATGGAGTCCCCGGGTTCCCCGGCCTCCCTGGCAGAGAG[GGCATTGCTGGGCCCCAGGTGAGTT>G]GCCTTGGTGGGCCCAGGGTGCAGGGGGGGCGTGGAGCCCTGAAGGGACTATGCTAAGATG-3'